The following is an entry in ClinVar:

NM_001384732.1(CPLANE1):c.5571-1G>A

Gene: CPLANE1 (ciliogenesis and planar polarity effector complex subunit 1; minus strand). Cytogenetic location: 5p13.2.
Variant type: single nucleotide variant.
Coding change: c.5571-1G>A on transcript NM_001384732.1 (MANE Select); the canonical splice acceptor site of the intron before coding-DNA position 5571, G replaced by A.
Molecular consequence: splice acceptor variant.
Genome position (GRCh38, 1-based): chr5:37,180,184, C>T on the plus strand (G>A on the coding strand, the complement: CPLANE1 is on the minus strand). VCF-style: chr5-37180184-C-T. GRCh37 (hg19) VCF-style: chr5-37180286-C-T.
Other names: c.5571-1G>A (NM_023073.4).
Identifiers: ClinVar variation 1066050 (VCV001066050.7), dbSNP rs756435344, ClinGen allele CA3238501.
Genomic context (GRCh38, chr5:37,180,184, plus strand): 5'-GAAATAATATCATCATTGATTTCTTTTATATCAGGATTTTTTGCTTCAGTTGGCATTCTA[C>T]TGAAAAAAATGCAGCAACTAAAATTACAACTATTCTTGGAGATAAAGAGCTAATTCAGTT-3'

ClinVar aggregate classification (germline): Likely pathogenic (1 of 4 stars; one submission).

Allele frequency attached by ClinVar (database versions not stated): gnomAD exomes below 0.00001 and 0.00001; TOPMed below 0.00001; ExAC 0.00001; gnomAD 0.00002.
gnomAD v4.1: 6 of 1,443,610 alleles (0.00042%); highest among the groups gnomAD compares: African/African-American, 0.0074%; no homozygotes.

Submission:

Labcorp Genetics (formerly Invitae), Labcorp
Classification: Likely pathogenic. Last evaluated: 2022-09-13. Review status: criteria provided, single submitter. Criteria: Invitae Variant Classification Sherloc (09022015). Collection method: clinical testing. Allele origin: germline.
Comment: This sequence change affects an acceptor splice site in intron 27 of the CPLANE1 gene. It is expected to disrupt RNA splicing. Variants that disrupt the donor or acceptor splice site typically lead to a loss of protein function (PMID: 16199547), and loss-of-function variants in CPLANE1 are known to be pathogenic (PMID: 24178751, 26092869). This variant is present in population databases (rs756435344, gnomAD 0.02%). This variant has not been reported in the literature in individuals affected with CPLANE1-related conditions. ClinVar contains an entry for this variant (Variation ID: 1066050). Algorithms developed to predict the effect of sequence changes on RNA splicing suggest that this variant may disrupt the consensus splice site. In summary, the currently available evidence indicates that the variant is pathogenic, but additional data are needed to prove that conclusively. Therefore, this variant has been classified as Likely Pathogenic.

Literature cited by the submitters: PubMed 16199547; PubMed 24178751; PubMed 26092869.